The following is an entry in ClinVar:

ClinVar aggregate classification (germline): Uncertain significance (1 of 4 stars; one submission).

Allele frequency attached by ClinVar (database versions not stated): TOPMed below 0.00001; gnomAD exomes 0.00002 and 0.00003.
gnomAD v4.1: 36 of 1,533,340 alleles (0.0023%); highest among the groups gnomAD compares: Non-Finnish European, 0.0029%; no homozygotes.

Submission:

Labcorp Genetics (formerly Invitae), Labcorp
Classification: Uncertain significance. Last evaluated: 2025-04-28. Review status: criteria provided, single submitter. Criteria: Invitae Variant Classification Sherloc (09022015). Collection method: clinical testing. Allele origin: germline.
Comment: This sequence change replaces glutamine, which is neutral and polar, with arginine, which is basic and polar, at codon 874 of the ARHGEF18 protein (p.Gln874Arg). This variant is present in population databases (no rsID available, gnomAD 0.005%). This variant has not been reported in the literature in individuals affected with ARHGEF18-related conditions. ClinVar contains an entry for this variant (Variation ID: 837063). An algorithm developed to predict the effect of missense changes on protein structure and function outputs the following: PolyPhen-2: "Benign". The arginine amino acid residue is found in multiple mammalian species, which suggests that this missense change does not adversely affect protein function. In summary, the available evidence is currently insufficient to determine the role of this variant in disease. Therefore, it has been classified as a Variant of Uncertain Significance.

NM_001367823.1(ARHGEF18):c.3185A>G (p.Gln1062Arg)

Gene: ARHGEF18 (Rho/Rac guanine nucleotide exchange factor 18; plus strand). Cytogenetic location: 19p13.2.
Variant type: single nucleotide variant.
Coding change: c.3185A>G on transcript NM_001367823.1 (MANE Select); coding-DNA position 3185, A replaced by G.
Protein change: p.Gln1062Arg; replaces glutamine 1062 with arginine.
Molecular consequence: missense variant.
Genome position (GRCh38, 1-based): chr19:7,467,389, A>G. VCF-style: chr19-7467389-A-G. GRCh37 (hg19) VCF-style: chr19-7532275-A-G.
Other names: c.2459A>G, p.Gln820Arg (NM_001130955.2); c.2147A>G, p.Gln716Arg (NM_001367824.1, NM_015318.4); short protein forms Q716R, Q820R, Q1062R.
Identifiers: ClinVar variation 837063 (VCV000837063.8), dbSNP rs1260451199, ClinGen allele CA403087734.